The following is an entry in ClinVar:

ClinVar aggregate classification (germline): Conflicting classifications of pathogenicity. Review status: criteria provided, conflicting classifications (1 of 4 stars). 5 submissions from 5 submitters: Uncertain significance (3); Likely benign (1). 1 of the submissions does not count toward it. Last evaluated 2026-02-01.

Conditions:
ITGA6-related disorder. Also called: ITGA6-related condition.
Epidermolysis bullosa, junctional 6, with pyloric atresia. Also called: ITGA6-Related Epidermolysis Bullosa with Pyloric Atresia. Identifiers: MedGen C5676957, MONDO:0859233, OMIM 619817.
Junctional epidermolysis bullosa with pyloric atresia. Also called: CARMI SYNDROME; EB-PA-ACC; ITGB4-Related Epidermolysis Bullosa with Pyloric Atresia; APLASIA CUTIS CONGENITA WITH GASTROINTESTINAL ATRESIA; Epidermolysis bullosa, junctional, with pyloric atresia and aplasia cutis congenita; Epidermolysis bullosa junctionalis with pyloric atresia. Identifiers: Orphanet 79403, MedGen C5676875, MONDO:0009183, OMIM 226730.

Allele frequency attached by ClinVar (database versions not stated): 1000 Genomes Project 30x 0.00047; gnomAD 0.00068 and 0.00072; ExAC 0.00085; 1000 Genomes Project 0.00040; gnomAD exomes 0.00057 and 0.00080; ESP Exome Variant Server 0.00062; TOPMed 0.00100.
gnomAD v4.1: 970 of 1,614,042 alleles (0.06%); highest among the groups gnomAD compares: Middle Eastern, 0.38%; no homozygotes.

Submissions (5):

Labcorp Genetics (formerly Invitae), Labcorp
Classification: Likely benign. Last evaluated: 2026-02-01. Review status: criteria provided, single submitter. Criteria: Invitae Variant Classification Sherloc (09022015). Collection method: clinical testing. Allele origin: germline.

Department of Pathology and Laboratory Medicine, Sinai Health System
Classification: Uncertain significance for Epidermolysis bullosa, junctional 6, with pyloric atresia. Last evaluated: 2021-09-07. Review status: criteria provided, single submitter. Criteria: ACMG Guidelines, 2015. Collection method: research. Allele origin: germline.

Illumina Laboratory Services, Illumina
Classification: Uncertain significance for Junctional epidermolysis bullosa with pyloric atresia. Last evaluated: 2018-01-13. Review status: criteria provided, single submitter. Criteria: ICSL Variant Classification Criteria 13 December 2019. Collection method: clinical testing. Allele origin: germline.

Breakthrough Genomics
Classification: Uncertain significance. Review status: criteria provided, single submitter. Criteria: ACMG Guidelines, 2015. Collection method: not provided. Allele origin: germline. Inheritance: Autosomal recessive inheritance. Affected: yes.

PreventionGenetics, part of Exact Sciences
Classification: Likely benign for ITGA6-related condition. Last evaluated: 2024-05-10. Review status: no assertion criteria provided. Collection method: clinical testing. Allele origin: germline. Not counted in ClinVar's aggregate classification.
Comment: This variant is classified as likely benign based on ACMG/AMP sequence variant interpretation guidelines (Richards et al. 2015 PMID: 25741868, with internal and published modifications).

NM_000210.4(ITGA6):c.2651A>G (p.Gln884Arg)

Genes: PDK1-AS1 (PDK1 and ITGA6 antisense RNA 1; minus strand), ITGA6 (integrin subunit alpha 6; plus strand). Cytogenetic location: 2q31.1.
Variant type: single nucleotide variant.
Coding change: c.2651A>G on transcript NM_000210.4 (MANE Select); coding-DNA position 2651, A replaced by G.
Protein change: p.Gln884Arg; replaces glutamine 884 with arginine.
Molecular consequence: missense variant. On other transcripts: intron variant (2).
Genome position (GRCh38, 1-based): chr2:172,489,630, A>G. VCF-style: chr2-172489630-A-G. GRCh37 (hg19) VCF-style: chr2-173354358-A-G.
Other names: c.2651A>G, p.Gln884Arg (NM_001079818.3); c.2294A>G, p.Gln765Arg (NM_001316306.2); c.2634+17A>G (NM_001365530.2, NM_001365529.2); c.2651A>G (NM_000210.3); short protein forms Q884R, Q765R.
Identifiers: ClinVar variation 332376 (VCV000332376.12), dbSNP rs61757096, ClinGen allele CA1968442.